The following is an entry in ClinVar:

ClinVar aggregate classification (germline): Uncertain significance (1 of 4 stars; one submission).

Conditions:
Left ventricular noncompaction 1 (LVNC1). Also called: LEFT VENTRICULAR NONCOMPACTION 1 WITH OR WITHOUT CONGENITAL HEART DEFECTS. Identifiers: Orphanet 54260, MedGen C1858725, MONDO:0011403, OMIM 604169.

Allele frequency attached by ClinVar (database versions not stated): gnomAD exomes below 0.00001; ExAC 0.00001.
gnomAD v4.1: 2 of 1,614,160 alleles (0.00012%); highest among the groups gnomAD compares: Non-Finnish European, 0.00017%; no homozygotes.

Submission:

Labcorp Genetics (formerly Invitae), Labcorp
Classification: Uncertain significance for Left ventricular noncompaction 1. Last evaluated: 2023-02-03. Review status: criteria provided, single submitter. Criteria: Invitae Variant Classification Sherloc (09022015). Collection method: clinical testing. Allele origin: germline.
Comment: This sequence change replaces threonine, which is neutral and polar, with isoleucine, which is neutral and non-polar, at codon 513 of the DTNA protein (p.Thr513Ile). In summary, the available evidence is currently insufficient to determine the role of this variant in disease. Therefore, it has been classified as a Variant of Uncertain Significance. Algorithms developed to predict the effect of missense changes on protein structure and function are either unavailable or do not agree on the potential impact of this missense change (SIFT: "Deleterious"; PolyPhen-2: "Possibly Damaging"; Align-GVGD: "Class C0"). This variant has not been reported in the literature in individuals affected with DTNA-related conditions. This variant is present in population databases (rs769307040, gnomAD 0.0009%).

NM_001386795.1(DTNA):c.1619C>T (p.Thr540Ile)

Gene: DTNA (dystrobrevin alpha; plus strand). Cytogenetic location: 18q12.1.
Variant type: single nucleotide variant.
Coding change: c.1619C>T on transcript NM_001386795.1 (MANE Select); coding-DNA position 1619, C replaced by T.
Protein change: p.Thr540Ile; replaces threonine 540 with isoleucine.
Molecular consequence: missense variant.
Genome position (GRCh38, 1-based): chr18:34,858,371, C>T. VCF-style: chr18-34858371-C-T. GRCh37 (hg19) VCF-style: chr18-32438335-C-T.
Other names: c.1358C>T, p.Thr453Ile (NM_001386764.1, NM_001386765.1, NM_001386766.1 and 9 more transcripts); c.1355C>T, p.Thr452Ile (NM_001386768.1, NM_001386769.1, NM_001386773.1 and 1 more transcripts); c.1448C>T, p.Thr483Ile (NM_001386770.1, NM_001386754.1, NM_001386755.1 and 4 more transcripts); c.665C>T, p.Thr222Ile (NM_001198942.1); c.608C>T, p.Thr203Ile (NM_001198943.1); c.494C>T, p.Thr165Ile (NM_001198944.1); c.788C>T, p.Thr263Ile (NM_001198945.2); c.1445C>T, p.Thr482Ile (NM_001386760.1); and 7 more; short protein forms T135I, T455I, T483I, T513I, T540I, T222I, T452I, T165I.
Identifiers: ClinVar variation 2834079 (VCV002834079.3), dbSNP rs769307040, ClinGen allele CA8935771.